The following is an entry in ClinVar:

NM_017433.5(MYO3A):c.1052A>C (p.Glu351Ala)

Gene: MYO3A (myosin IIIA; plus strand). Cytogenetic location: 10p12.1.
Variant type: single nucleotide variant.
Coding change: c.1052A>C on transcript NM_017433.5 (MANE Select); coding-DNA position 1052, A replaced by C.
Protein change: p.Glu351Ala; replaces glutamic acid 351 with alanine.
Molecular consequence: missense variant.
Genome position (GRCh38, 1-based): chr10:26,067,073, A>C. VCF-style: chr10-26067073-A-C. GRCh37 (hg19) VCF-style: chr10-26356002-A-C.
Other names: short protein forms E351A.
Identifiers: ClinVar variation 178462 (VCV000178462.14), dbSNP rs141612979, ClinGen allele CA182378.

ClinVar aggregate classification (germline): Uncertain significance. Review status: criteria provided, multiple submitters, no conflicts (2 of 4 stars). 4 submissions from 4 submitters: Uncertain significance (4). Last evaluated 2026-09-27.

Conditions:
MYO3A-related disorder. Also called: MYO3A-related condition.

Allele frequency attached by ClinVar (database versions not stated): ExAC 0.00009; 1000 Genomes Project 30x 0.00016; gnomAD exomes 0.00008; gnomAD 0.00021 and 0.00024; ESP Exome Variant Server 0.00015; 1000 Genomes Project 0.00020; TOPMed 0.00023.
gnomAD v4.1: 69 of 1,590,530 alleles (0.0043%); highest among the groups gnomAD compares: African/African-American, 0.086%; no homozygotes.

Submissions (4):

GeneDx
Classification: Uncertain significance. Last evaluated: 2026-09-27. Review status: criteria provided, single submitter. Criteria: GeneDx Variant Classification Process June 2021. Collection method: clinical testing. Allele origin: germline.
Comment: In silico analysis supports that this missense variant has a deleterious effect on protein structure/function; Has not been previously published as pathogenic or benign to our knowledge

PreventionGenetics, part of Exact Sciences
Classification: Uncertain significance for MYO3A-related condition. Last evaluated: 2026-06-26. Review status: criteria provided, single submitter. Criteria: ACMG Guidelines, 2015. Collection method: clinical testing. Allele origin: germline.
Comment: The MYO3A c.1052A>C variant is predicted to result in the amino acid substitution p.Glu351Ala. To our knowledge, this variant has not been reported in the literature. This variant is reported in 0.092% of alleles in individuals of African descent in gnomAD. Although we suspect that this variant may be benign, at this time, the clinical significance of this variant is uncertain due to the absence of conclusive functional and genetic evidence.

Labcorp Genetics (formerly Invitae), Labcorp
Classification: Uncertain significance. Last evaluated: 2021-09-08. Review status: criteria provided, single submitter. Criteria: Invitae Variant Classification Sherloc (09022015). Collection method: clinical testing. Allele origin: germline.

Laboratory for Molecular Medicine, Mass General Brigham Personalized Medicine
Classification: Uncertain significance. Last evaluated: 2013-05-31. Review status: criteria provided, single submitter. Criteria: LMM Criteria. Collection method: clinical testing. Allele origin: germline. Observed: 1 variant allele.
Comment: The Glu351Ala variant in MYO3A has not been reported in individuals with hearing loss, but has been identified in 0.05% (2/4406) of African American chromosomes by the NHLBI Exome Sequencing Project (dbSNP rs141612979). Although this variant has been seen in the general population, it s frequency is not high enough to rule out a pathogenic role. Computational anal yses (biochemical amino acid properties, conservation, AlignGVGD, PolyPhen2, and SIFT) suggest that the Glu351Ala variant may impact the protein, though this in formation is not predictive enough to determine pathogenicity. In summary, addit ional information is needed to determine the clinical significance of this varia nt.